The following is an entry in ClinVar:

NM_014905.5(GLS):c.1609G>C (p.Ala537Pro)

Gene: GLS (glutaminase; plus strand). Cytogenetic location: 2q32.2.
Variant type: single nucleotide variant.
Coding change: c.1609G>C on transcript NM_014905.5 (MANE Select); coding-DNA position 1609, G replaced by C.
Protein change: p.Ala537Pro; replaces alanine 537 with proline.
Molecular consequence: missense variant.
Genome position (GRCh38, 1-based): chr2:190,931,596, G>C. VCF-style: chr2-190931596-G-C. GRCh37 (hg19) VCF-style: chr2-191796322-G-C.
Other names: c.1609G>C, p.Ala537Pro (NM_001256310.2); short protein forms A537P.
Identifiers: ClinVar variation 3900179 (VCV003900179.2).

ClinVar aggregate classification (germline): Likely pathogenic (1 of 4 stars; one submission).

Submission:

GeneDx
Classification: Likely pathogenic. Last evaluated: 2026-08-13. Review status: criteria provided, single submitter. Criteria: GeneDx Variant Classification Process June 2021. Collection method: clinical testing. Allele origin: germline.
Comment: Not observed at significant frequency in large population cohorts (gnomAD); In silico analysis supports that this missense variant has a deleterious effect on protein structure/function; Has not been previously published as pathogenic or benign to our knowledge